The following is an entry in ClinVar:

NM_001077365.2(POMT1):c.769C>G (p.Leu257Val)

Gene: POMT1 (protein O-mannosyltransferase 1; plus strand). Cytogenetic location: 9q34.13.
Variant type: single nucleotide variant.
Coding change: c.769C>G on transcript NM_001077365.2 (MANE Select); coding-DNA position 769, C replaced by G.
Protein change: p.Leu257Val; replaces leucine 257 with valine.
Molecular consequence: missense variant. On other transcripts: 5 prime UTR variant (1), non-coding transcript variant (10).
Genome position (GRCh38, 1-based): chr9:131,510,329, C>G. VCF-style: chr9-131510329-C-G. GRCh37 (hg19) VCF-style: chr9-134385716-C-G.
Other names: c.607C>G, p.Leu203Val (NM_001077366.2, NM_001353194.2, NM_001374693.1); c.769C>G, p.Leu257Val (NM_001136113.2, NM_001374690.1); c.418C>G, p.Leu140Val (NM_001136114.2, NM_001353195.2, NM_001374691.1 and 1 more transcripts); c.835C>G, p.Leu279Val (NM_001353193.2, NM_007171.4); c.679C>G, p.Leu227Val (NM_001353196.2); c.673C>G, p.Leu225Val (NM_001353197.2, NM_001353198.2); c.484C>G, p.Leu162Val (NM_001353199.2); c.313C>G, p.Leu105Val (NM_001353200.2); and 3 more; short protein forms L105V, L162V, L227V, L127V, L257V, L203V, L225V, T251S.
Identifiers: ClinVar variation 5009641 (VCV005009641.1).

ClinVar aggregate classification (germline): Uncertain significance (1 of 4 stars; one submission).

Submission:

GeneDx
Classification: Uncertain significance. Last evaluated: 2026-02-19. Review status: criteria provided, single submitter. Criteria: GeneDx Variant Classification Process June 2021. Collection method: clinical testing. Allele origin: germline.
Comment: Not observed at significant frequency in large population cohorts (gnomAD); In silico analysis suggests that this missense variant does not alter protein structure/function; Has not been previously published as pathogenic or benign to our knowledge; This variant is associated with the following publications: (PMID: 22549409)